The following is an entry in ClinVar:

NM_054027.6(ANKH):c.*302_*321dup

Genes: ANKH (ANKH inorganic pyrophosphate transport regulator; minus strand), OTULIN (OTU deubiquitinase with linear linkage specificity; plus strand). Cytogenetic location: 5p15.2.
Variant type: Duplication.
Coding change: c.*302_*321dup on transcript NM_054027.6 (MANE Select); 302 bases downstream of the stop codon through 321 bases downstream of the stop codon, 20 bases duplicated (CTCCCCTGGACAATCTCCTC).
Molecular consequence: 3 prime UTR variant.
Genome position (GRCh38, 1-based): chr5:14,710,876-14,710,895, GAGGAGATTGTCCAGGGGAG duplicated on the plus strand (CTCCCCTGGACAATCTCCTC on the coding strand, the reverse complement: ANKH is on the minus strand); duplicating any 20 consecutive bases within chr5:14,710,876-14,710,900 gives the same sequence; the c. name uses the placement nearest the transcript's 3' end. VCF-style (leftmost placement, unchanged base first): chr5-14710875-A-AGAGGAGATTGTCCAGGGGAG. GRCh37 (hg19) VCF-style: chr5-14710984-A-AGAGGAGATTGTCCAGGGGAG.
Identifiers: ClinVar variation 2655366 (VCV002655366.24), dbSNP rs778512815, ClinGen allele CA114714674.

ClinVar aggregate classification (germline): Benign (1 of 4 stars; one submission).

Submission:

CeGaT Center for Human Genetics Tuebingen
Classification: Benign. Last evaluated: 2023-02-01. Review status: criteria provided, single submitter. Criteria: CeGaT Center For Human Genetics Tuebingen Variant Classification Criteria Version 2. Collection method: clinical testing. Allele origin: germline. Affected: yes. Observed: 2 variant alleles.
Comment: ANKH: BS1, BS2